The following is an entry in ClinVar:

NM_000218.3(KCNQ1):c.1394-29823G>A

Genes: KCNQ1 (potassium voltage-gated channel subfamily Q member 1; plus strand), KCNQ1OT1 (KCNQ1 opposite strand/antisense transcript 1; minus strand). Cytogenetic location: 11p15.5.
Variant type: single nucleotide variant.
Coding change: c.1394-29823G>A on transcript NM_000218.3 (MANE Select); 29823 bases into the intron before coding-DNA position 1394, G replaced by A.
Molecular consequence: intron variant.
Genome position (GRCh38, 1-based): chr11:2,632,138, G>A. VCF-style: chr11-2632138-G-A. GRCh37 (hg19) VCF-style: chr11-2653368-G-A.
Other names: c.1124-29823G>A (NM_001406837.1); c.1298-29823G>A (NM_001406836.1); c.854-29823G>A (NM_001406838.1); c.1013-29823G>A (NM_181798.2).
Identifiers: ClinVar variation 1711278 (VCV001711278.30), dbSNP rs180765683, ClinGen allele CA216146142.

ClinVar aggregate classification (germline): Likely benign (1 of 4 stars; one submission).

Allele frequency attached by ClinVar (database versions not stated): 1000 Genomes Project 0.00240; 1000 Genomes Project 30x 0.00265; gnomAD 0.00552; TOPMed 0.00558; gnomAD exomes 0.00740.
gnomAD v4.1: 2,617 of 387,734 alleles (0.67%); highest among the groups gnomAD compares: Middle Eastern, 1.6%; 22 homozygotes.

Submission:

CeGaT Center for Human Genetics Tuebingen
Classification: Likely benign. Last evaluated: 2026-09-01. Review status: criteria provided, single submitter. Criteria: CeGaT Center For Human Genetics Tuebingen Variant Classification Criteria Version 2. Collection method: clinical testing. Allele origin: germline. Affected: yes. Observed: 114 variant alleles.
Comment: KCNQ1OT1: BS2; KCNQ1: BS2